The following is an entry in ClinVar:

NM_005630.3(SLCO2A1):c.1681C>T (p.Arg561Cys)

Gene: SLCO2A1 (solute carrier organic anion transporter family member 2A1; minus strand). Cytogenetic location: 3q22.1.
Variant type: single nucleotide variant.
Coding change: c.1681C>T on transcript NM_005630.3 (MANE Select); coding-DNA position 1681, C replaced by T.
Protein change: p.Arg561Cys; replaces arginine 561 with cysteine.
Molecular consequence: missense variant.
Genome position (GRCh38, 1-based): chr3:133,938,438, G>A on the plus strand (C>T on the coding strand, the complement: SLCO2A1 is on the minus strand). VCF-style: chr3-133938438-G-A. GRCh37 (hg19) VCF-style: chr3-133657282-G-A.
Other names: short protein forms R561C.
Identifiers: ClinVar variation 4528288 (VCV004528288.1).

ClinVar aggregate classification (germline): Uncertain significance (1 of 4 stars; one submission).

gnomAD v4.1: 40 of 1,613,784 alleles (0.0025%); highest among the groups gnomAD compares: Non-Finnish European, 0.0032%; no homozygotes.

Submission:

GeneDx
Classification: Uncertain significance. Last evaluated: 2025-05-09. Review status: criteria provided, single submitter. Criteria: GeneDx Variant Classification Process June 2021. Collection method: clinical testing. Allele origin: germline. Affected: yes.
Comment: In silico analysis supports that this missense variant has a deleterious effect on protein structure/function; This variant is associated with the following publications: (PMID: 28963081, 38755710, 33000396, 36046230)